The following is an entry in ClinVar:

NM_001040716.2(PC):c.841G>A (p.Ala281Thr)

Gene: PC (pyruvate carboxylase; minus strand). Cytogenetic location: 11q13.2.
Variant type: single nucleotide variant.
Coding change: c.841G>A on transcript NM_001040716.2 (MANE Select); coding-DNA position 841, G replaced by A.
Protein change: p.Ala281Thr; replaces alanine 281 with threonine.
Molecular consequence: missense variant.
Genome position (GRCh38, 1-based): chr11:66,870,364, C>T on the plus strand (G>A on the coding strand, the complement: PC is on the minus strand). VCF-style: chr11-66870364-C-T. GRCh37 (hg19) VCF-style: chr11-66637835-C-T.
Other names: c.841G>A, p.Ala281Thr (NM_000920.4, NM_022172.3); short protein forms A281T.
Identifiers: ClinVar variation 879844 (VCV000879844.9), dbSNP rs773369359, ClinGen allele CA6132092.
Genomic context (GRCh38, chr11:66,870,364, plus strand): 5'-GTTTAGCGAGTTTCACAGAGTCGCTGGTGAGCCGAGTCCGAAGCTGCGGGTCCAGGTGGG[C>T]GGCGGGGGCAATCTCGACCACCTTCTGGTGCCGCCGCTGGATGGAGCAGTCTCGCTCGTA-3'
Protein context (NP_001035806.1, residues 271-291): HQKVVEIAPA[Ala281Thr]HLDPQLRTRL

ClinVar aggregate classification (germline): Uncertain significance. Review status: criteria provided, multiple submitters, no conflicts (2 of 4 stars). 5 submissions from 5 submitters: Uncertain significance (5). Last evaluated 2024-09-27.

Conditions:
Pyruvate carboxylase deficiency. Also called: LEIGH NECROTIZING ENCEPHALOPATHY DUE TO PYRUVATE CARBOXYLASE DEFICIENCY; LEIGH SYNDROME DUE TO PYRUVATE CARBOXYLASE DEFICIENCY; PC DEFICIENCY; ATAXIA WITH LACTIC ACIDOSIS II; Pyruvate Carboxylase Deficiency Disease. Identifiers: Orphanet 3008, MedGen C0034341, MONDO:0009949, OMIM 266150.

Allele frequency attached by ClinVar (database versions not stated): ExAC 0.00001; gnomAD exomes 0.00002; gnomAD 0.00003; TOPMed 0.00003.
gnomAD v4.1: 38 of 1,613,416 alleles (0.0024%); highest among the groups gnomAD compares: Middle Eastern, 0.049%; no homozygotes.

Submissions (5):

Blueprint Genetics
Classification: Uncertain significance. Last evaluated: 2024-09-27. Review status: criteria provided, single submitter. Criteria: ACMG Guidelines, 2015. Collection method: clinical testing. Allele origin: germline.

Labcorp Genetics (formerly Invitae), Labcorp
Classification: Uncertain significance for Pyruvate carboxylase deficiency. Last evaluated: 2024-07-20. Review status: criteria provided, single submitter. Criteria: Invitae Variant Classification Sherloc (09022015). Collection method: clinical testing. Allele origin: germline.
Comment: This sequence change replaces alanine, which is neutral and non-polar, with threonine, which is neutral and polar, at codon 281 of the PC protein (p.Ala281Thr). This variant is present in population databases (rs773369359, gnomAD 0.004%). This variant has not been reported in the literature in individuals affected with PC-related conditions. ClinVar contains an entry for this variant (Variation ID: 879844). Advanced modeling of protein sequence and biophysical properties (such as structural, functional, and spatial information, amino acid conservation, physicochemical variation, residue mobility, and thermodynamic stability) performed at Invitae indicates that this missense variant is not expected to disrupt PC protein function with a negative predictive value of 95%. In summary, the available evidence is currently insufficient to determine the role of this variant in disease. Therefore, it has been classified as a Variant of Uncertain Significance.

GeneDx
Classification: Uncertain significance. Last evaluated: 2024-06-27. Review status: criteria provided, single submitter. Criteria: GeneDx Variant Classification Process June 2021. Collection method: clinical testing. Allele origin: germline. Affected: yes.
Comment: Not observed at significant frequency in large population cohorts (gnomAD); In silico analysis indicates that this missense variant does not alter protein structure/function; Has not been previously published as pathogenic or benign to our knowledge

Illumina Laboratory Services, Illumina
Classification: Uncertain significance for Pyruvate carboxylase deficiency. Last evaluated: 2018-01-13. Review status: criteria provided, single submitter. Criteria: ICSL Variant Classification Criteria 13 December 2019. Collection method: clinical testing. Allele origin: germline.

Breakthrough Genomics
Classification: Uncertain significance. Review status: criteria provided, single submitter. Criteria: ACMG Guidelines, 2015. Collection method: not provided. Allele origin: germline. Inheritance: Autosomal recessive inheritance. Affected: yes.